The following is an entry in ClinVar:

ClinVar aggregate classification (germline): Benign/Likely benign. Review status: criteria provided, multiple submitters, no conflicts (2 of 4 stars). 5 submissions from 5 submitters: Benign (4); Likely benign (1). Last evaluated 2026-02-03.

Conditions:
Focal segmental glomerulosclerosis 8 (FSGS8). Identifiers: Orphanet 656, MedGen C4014993, MONDO:0014462, OMIM 616032.

Allele frequency attached by ClinVar (database versions not stated): ESP Exome Variant Server 0.11610; 1000 Genomes Project 30x 0.12508; TOPMed 0.12629; 1000 Genomes Project 0.12700; ExAC 0.13071; gnomAD exomes 0.13215.

Submissions (5):

Labcorp Genetics (formerly Invitae), Labcorp
Classification: Benign. Last evaluated: 2026-02-03. Review status: criteria provided, single submitter. Criteria: Invitae Variant Classification Sherloc (09022015). Collection method: clinical testing. Allele origin: germline.

Blueprint Genetics
Classification: Likely benign. Last evaluated: 2024-11-27. Review status: criteria provided, single submitter. Criteria: ACMG Guidelines, 2015. Collection method: clinical testing. Allele origin: germline.

Mayo Clinic Laboratories, Mayo Clinic
Classification: Benign. Last evaluated: 2022-11-15. Review status: criteria provided, single submitter. Criteria: ACMG Guidelines, 2015. Collection method: clinical testing. Allele origin: germline. Observed: 33 variant alleles.
Comment: BA1, BP4

Genome-Nilou Lab
Classification: Benign for Focal segmental glomerulosclerosis 8. Last evaluated: 2021-12-05. Review status: criteria provided, single submitter. Criteria: ACMG Guidelines, 2015. Collection method: clinical testing. Allele origin: germline. Affected: no.

GeneDx
Classification: Benign. Last evaluated: 2018-11-10. Review status: criteria provided, single submitter. Criteria: GeneDx Variant Classification Process June 2021. Collection method: clinical testing. Allele origin: germline. Affected: yes.
Comment: This variant is associated with the following publications: (PMID: 30551077)

NM_018685.5(ANLN):c.194C>G (p.Ser65Trp)

Gene: ANLN (anillin, actin binding protein; plus strand). Cytogenetic location: 7p14.2.
Variant type: single nucleotide variant.
Coding change: c.194C>G on transcript NM_018685.5 (MANE Select); coding-DNA position 194, C replaced by G.
Protein change: p.Ser65Trp; replaces serine 65 with tryptophan.
Molecular consequence: missense variant.
Genome position (GRCh38, 1-based): chr7:36,399,100, C>G. VCF-style: chr7-36399100-C-G. GRCh37 (hg19) VCF-style: chr7-36438709-C-G.
Other names: p.Ser65Trp; c.194C>G, p.Ser65Trp (NM_001284301.3, NM_001284302.3); short protein forms S65W.
Identifiers: ClinVar variation 1166060 (VCV001166060.14), dbSNP rs3735400, ClinGen allele CA4219299.